The following is an entry in ClinVar:

NC_000013.10:g.(?_52511949)_(52515321_?)del

Gene: ATP7B (ATPase copper transporting beta; minus strand). Cytogenetic location: 13q14.3.
Variant type: Deletion.
Identifiers: ClinVar variation 3244114 (VCV003244114.1).

ClinVar aggregate classification (germline): Pathogenic (1 of 4 stars; one submission).

Conditions:
Wilson disease (WND). Also called: Wilson's disease. Identifiers: Orphanet 905, MedGen C0019202, MONDO:0010200, OMIM 277900. Disease mechanism: loss of function.

Submission:

Labcorp Genetics (formerly Invitae), Labcorp
Classification: Pathogenic for Wilson disease. Last evaluated: 2023-10-03. Review status: criteria provided, single submitter. Criteria: Invitae Variant Classification Sherloc (09022015). Collection method: clinical testing. Allele origin: unknown.
Comment: This variant results in the deletion of part of exon 16 and exon 17 (c.3452_3700-134del) of the ATP7B gene. It is expected to disrupt RNA splicing. Variants that disrupt the donor or acceptor splice site typically lead to a loss of protein function (PMID: 16199547), and loss-of-function variants in ATP7B are known to be pathogenic (PMID: 10441329, 16283883). This variant has not been reported in the literature in individuals affected with ATP7B-related conditions. This variant disrupts a region of the ATP7B protein in which other variant(s) (p.Thr1232Pro) have been determined to be pathogenic (PMID: 15024742, 15337266, 15952988). This suggests that this is a clinically significant region of the protein, and that variants that disrupt it are likely to be disease-causing. For these reasons, this variant has been classified as Pathogenic.

Literature cited by the submitters: PubMed 16199547; PubMed 10441329; PubMed 16283883; PubMed 15024742; PubMed 15337266; PubMed 15952988.